The following is an entry in ClinVar:

ClinVar aggregate classification (germline): Uncertain significance (1 of 4 stars; one submission).

Conditions:
Early-infantile DEE. Also called: Ohtahara syndrome; Early infantile epileptic encephalopathy with suppression bursts; Early infantile epileptic encephalopathy. Identifiers: Orphanet 1934, MedGen C0393706, MONDO:0800491.

gnomAD v4.1: 7 of 1,598,200 alleles (0.00044%); highest among the groups gnomAD compares: Non-Finnish European, 0.0006%; no homozygotes.

Submission:

Labcorp Genetics (formerly Invitae), Labcorp
Classification: Uncertain significance for Early-infantile DEE. Last evaluated: 2021-07-12. Review status: criteria provided, single submitter. Criteria: Invitae Variant Classification Sherloc (09022015). Collection method: clinical testing. Allele origin: germline.
Comment: In summary, the available evidence is currently insufficient to determine the role of this variant in disease. Therefore, it has been classified as a Variant of Uncertain Significance. Algorithms developed to predict the effect of missense changes on protein structure and function (SIFT, PolyPhen-2, Align-GVGD) all suggest that this variant is likely to be disruptive. This sequence change replaces glycine with cysteine at codon 42 of the SLC25A22 protein (p.Gly42Cys). The glycine residue is highly conserved and there is a large physicochemical difference between glycine and cysteine. This variant is not present in population databases (ExAC no frequency). This variant has not been reported in the literature in individuals affected with SLC25A22-related conditions.

NM_001191061.2(SLC25A22):c.124G>T (p.Gly42Cys)

Gene: SLC25A22 (solute carrier family 25 member 22; minus strand). Cytogenetic location: 11p15.5.
Variant type: single nucleotide variant.
Coding change: c.124G>T on transcript NM_001191061.2 (MANE Select); coding-DNA position 124, G replaced by T.
Protein change: p.Gly42Cys; replaces glycine 42 with cysteine.
Molecular consequence: missense variant.
Genome position (GRCh38, 1-based): chr11:794,798, C>A on the plus strand (G>T on the coding strand, the complement: SLC25A22 is on the minus strand). VCF-style: chr11-794798-C-A. GRCh37 (hg19) VCF-style: chr11-794798-C-A.
Other names: c.124G>T, p.Gly42Cys (NM_001191060.2, NM_024698.6); short protein forms G42C.
Identifiers: ClinVar variation 1426791 (VCV001426791.9), dbSNP rs535927522, ClinGen allele CA378921903.